The following is an entry in ClinVar:

ClinVar aggregate classification (germline): Uncertain significance (1 of 4 stars; one submission).

Conditions:
Charcot-Marie-Tooth disease type 4. Also called: Charcot-Marie-Tooth disease, type IV; Charcot-Marie-Tooth, Type 4. Identifiers: Orphanet 64749, MedGen C4082197, MONDO:0018995.

Allele frequency attached by ClinVar (database versions not stated): TOPMed below 0.00001.
gnomAD v4.1: 1 of 1,614,162 alleles (0.000062%); highest among the groups gnomAD compares: Non-Finnish European, 0.000085%; no homozygotes.

Submission:

Labcorp Genetics (formerly Invitae), Labcorp
Classification: Uncertain significance for Charcot-Marie-Tooth disease type 4. Last evaluated: 2022-06-15. Review status: criteria provided, single submitter. Criteria: Invitae Variant Classification Sherloc (09022015). Collection method: clinical testing. Allele origin: germline.
Comment: In summary, the available evidence is currently insufficient to determine the role of this variant in disease. Therefore, it has been classified as a Variant of Uncertain Significance. Advanced modeling of protein sequence and biophysical properties (such as structural, functional, and spatial information, amino acid conservation, physicochemical variation, residue mobility, and thermodynamic stability) performed at Invitae indicates that this missense variant is not expected to disrupt SH3TC2 protein function. This variant has not been reported in the literature in individuals affected with SH3TC2-related conditions. This variant is not present in population databases (gnomAD no frequency). This sequence change replaces threonine, which is neutral and polar, with alanine, which is neutral and non-polar, at codon 963 of the SH3TC2 protein (p.Thr963Ala).

NM_024577.4(SH3TC2):c.2887A>G (p.Thr963Ala)

Gene: SH3TC2 (SH3 domain and tetratricopeptide repeats 2; minus strand). Cytogenetic location: 5q32.
Variant type: single nucleotide variant.
Coding change: c.2887A>G on transcript NM_024577.4 (MANE Select); coding-DNA position 2887, A replaced by G.
Protein change: p.Thr963Ala; replaces threonine 963 with alanine.
Molecular consequence: missense variant.
Genome position (GRCh38, 1-based): chr5:149,026,738, T>C on the plus strand (A>G on the coding strand, the complement: SH3TC2 is on the minus strand). VCF-style: chr5-149026738-T-C. GRCh37 (hg19) VCF-style: chr5-148406301-T-C.
Other names: short protein forms T963A.
Identifiers: ClinVar variation 1896101 (VCV001896101.5), dbSNP rs1266582073, ClinGen allele CA361665401.